The following is an entry in ClinVar:

NM_001184.4(ATR):c.5971C>A (p.Pro1991Thr)

Gene: ATR (ATR checkpoint kinase; minus strand). Cytogenetic location: 3q23.
Variant type: single nucleotide variant.
Coding change: c.5971C>A on transcript NM_001184.4 (MANE Select); coding-DNA position 5971, C replaced by A.
Protein change: p.Pro1991Thr; replaces proline 1991 with threonine.
Molecular consequence: missense variant.
Genome position (GRCh38, 1-based): chr3:142,493,239, G>T on the plus strand (C>A on the coding strand, the complement: ATR is on the minus strand). VCF-style: chr3-142493239-G-T. GRCh37 (hg19) VCF-style: chr3-142212081-G-T.
Other names: c.5779C>A, p.Pro1927Thr (NM_001354579.2); short protein forms P1927T, P1991T.
Identifiers: ClinVar variation 901058 (VCV000901058.8), dbSNP rs757634741, ClinGen allele CA2649442.

ClinVar aggregate classification (germline): Uncertain significance. Review status: criteria provided, multiple submitters, no conflicts (2 of 4 stars). 2 submissions from 2 submitters: Uncertain significance (2). Last evaluated 2022-08-08.

Conditions:
Seckel syndrome 1 (SCKL1). Also called: MICROCEPHALIC PRIMORDIAL DWARFISM I. Identifiers: Orphanet 808, MedGen C4551474, MONDO:0008869, OMIM 210600.

Allele frequency attached by ClinVar (database versions not stated): gnomAD exomes below 0.00001; ExAC 0.00001.
gnomAD v4.1: 8 of 1,613,864 alleles (0.0005%); highest among the groups gnomAD compares: East Asian, 0.016%; no homozygotes.

Submissions (2):

Labcorp Genetics (formerly Invitae), Labcorp
Classification: Uncertain significance. Last evaluated: 2022-08-08. Review status: criteria provided, single submitter. Criteria: Invitae Variant Classification Sherloc (09022015). Collection method: clinical testing. Allele origin: germline.
Comment: This variant is present in population databases (rs757634741, gnomAD 0.006%). This sequence change replaces proline, which is neutral and non-polar, with threonine, which is neutral and polar, at codon 1991 of the ATR protein (p.Pro1991Thr). In summary, the available evidence is currently insufficient to determine the role of this variant in disease. Therefore, it has been classified as a Variant of Uncertain Significance. Algorithms developed to predict the effect of missense changes on protein structure and function output the following: SIFT: "Tolerated"; PolyPhen-2: "Benign"; Align-GVGD: "Class C0". The threonine amino acid residue is found in multiple mammalian species, which suggests that this missense change does not adversely affect protein function. ClinVar contains an entry for this variant (Variation ID: 901058). This variant has not been reported in the literature in individuals affected with ATR-related conditions.

Illumina Laboratory Services, Illumina
Classification: Uncertain significance for Seckel syndrome 1. Last evaluated: 2018-01-13. Review status: criteria provided, single submitter. Criteria: ICSL Variant Classification Criteria 13 December 2019. Collection method: clinical testing. Allele origin: germline.